The following is an entry in ClinVar:

ClinVar aggregate classification (germline): Uncertain significance (1 of 4 stars; one submission).

Conditions:
Emery-Dreifuss muscular dystrophy 4, autosomal dominant (EDMD4). Also called: EMERY-DREIFUSS MUSCULAR DYSTROPHY 4 WITH VARIABLE FEATURES. Identifiers: Orphanet 261, MedGen C2751807, MONDO:0013071, OMIM 612998.
Autosomal recessive ataxia, Beauce type. Also called: SYNE1 Deficiency; Spinocerebellar ataxia, autosomal recessive 8; ATAXIA, RECESSIVE, OF BEAUCE; SYNE1-Related Autosomal Recessive Cerebellar Ataxia. Identifiers: Orphanet 88644, MedGen C1853116, MONDO:0012549, OMIM 610743.

Submission:

Labcorp Genetics (formerly Invitae), Labcorp
Classification: Uncertain significance for Emery-Dreifuss muscular dystrophy 4, autosomal dominant; Autosomal recessive ataxia, Beauce type. Last evaluated: 2022-04-08. Review status: criteria provided, single submitter. Criteria: Invitae Variant Classification Sherloc (09022015). Collection method: clinical testing. Allele origin: germline.
Comment: In summary, the available evidence is currently insufficient to determine the role of this variant in disease. Therefore, it has been classified as a Variant of Uncertain Significance. Algorithms developed to predict the effect of missense changes on protein structure and function (SIFT, PolyPhen-2, Align-GVGD) all suggest that this variant is likely to be disruptive. This variant has not been reported in the literature in individuals affected with SYNE1-related conditions. This variant is not present in population databases (gnomAD no frequency). This sequence change replaces aspartic acid, which is acidic and polar, with histidine, which is basic and polar, at codon 6363 of the SYNE1 protein (p.Asp6363His).

NM_182961.4(SYNE1):c.19300G>C (p.Asp6434His)

Gene: SYNE1 (spectrin repeat containing nuclear envelope protein 1; minus strand). Cytogenetic location: 6q25.2.
Variant type: single nucleotide variant.
Coding change: c.19300G>C on transcript NM_182961.4 (MANE Select); coding-DNA position 19300, G replaced by C.
Protein change: p.Asp6434His; replaces aspartic acid 6434 with histidine.
Molecular consequence: missense variant.
Genome position (GRCh38, 1-based): chr6:152,255,050, C>G on the plus strand (G>C on the coding strand, the complement: SYNE1 is on the minus strand). VCF-style: chr6-152255050-C-G. GRCh37 (hg19) VCF-style: chr6-152576185-C-G.
Other names: c.19087G>C, p.Asp6363His (NM_033071.5); short protein forms D6434H, D6363H.
Identifiers: ClinVar variation 2122982 (VCV002122982.4), dbSNP rs1348758893, ClinGen allele CA366136607.